The following is an entry in ClinVar:

ClinVar aggregate classification (germline): Likely benign. Review status: criteria provided, multiple submitters, no conflicts (2 of 4 stars). 10 submissions from 10 submitters: Likely benign (6). 4 of the submissions do not count toward it. Last evaluated 2025-12-03.

Conditions:
MYH6-related disorder. Also called: MYH6-Related Disorders; MYH6-related condition.
Cardiovascular phenotype. Identifiers: MedGen CN230736.
Hypertrophic cardiomyopathy 14. Identifiers: MedGen C2750467, MONDO:0013197, OMIM 613251.

Allele frequency attached by ClinVar (database versions not stated): gnomAD exomes 0.00003 and 0.00004; gnomAD 0.00005 and 0.00006; ExAC 0.00007; TOPMed 0.00009.
gnomAD v4.1: 54 of 1,614,108 alleles (0.0033%); highest among the groups gnomAD compares: Middle Eastern, 0.099%; no homozygotes.

Submissions (10):

PreventionGenetics, part of Exact Sciences
Classification: Likely benign for MYH6-related condition. Last evaluated: 2025-12-03. Review status: criteria provided, single submitter. Criteria: ACMG Guidelines, 2015. Collection method: clinical testing. Allele origin: germline.
Comment: This variant is classified as likely benign based on ACMG/AMP sequence variant interpretation guidelines (Richards et al. 2015 PMID: 25741868, with internal and published modifications).

Labcorp Genetics (formerly Invitae), Labcorp
Classification: Likely benign for Hypertrophic cardiomyopathy 14. Last evaluated: 2025-05-30. Review status: criteria provided, single submitter. Criteria: Invitae Variant Classification Sherloc (09022015). Collection method: clinical testing. Allele origin: germline.

Blueprint Genetics
Classification: Likely benign. Last evaluated: 2024-06-12. Review status: criteria provided, single submitter. Criteria: ACMG Guidelines, 2015. Collection method: clinical testing. Allele origin: germline.

CeGaT Center for Human Genetics Tuebingen
Classification: Likely benign. Last evaluated: 2023-01-01. Review status: criteria provided, single submitter. Criteria: CeGaT Center For Human Genetics Tuebingen Variant Classification Criteria Version 2. Collection method: clinical testing. Allele origin: germline. Affected: yes. Observed: 1 variant allele.
Comment: MYH6: BP4, BP7

Ambry Genetics
Classification: Likely benign for Cardiovascular phenotype. Last evaluated: 2019-09-25. Review status: criteria provided, single submitter. Criteria: Ambry Variant Classification Scheme 2023. Collection method: clinical testing. Allele origin: germline.

Breakthrough Genomics
Classification: Likely benign. Review status: criteria provided, single submitter. Criteria: ACMG Guidelines, 2015. Collection method: not provided. Allele origin: germline. Inheritance: Autosomal dominant inheritance. Affected: yes.

Clinical Genetics DNA and cytogenetics Diagnostics Lab, Erasmus MC, Erasmus Medical Center
Classification: Likely benign. Review status: no assertion criteria provided. Collection method: clinical testing. Allele origin: germline. Affected: yes. Study: VKGL Data-share Consensus. Not counted in ClinVar's aggregate classification.

Clinical Genetics, Academic Medical Center
Classification: Benign. Review status: no assertion criteria provided. Collection method: clinical testing. Allele origin: germline. Affected: yes. Study: VKGL Data-share Consensus. Not counted in ClinVar's aggregate classification.

Genome Diagnostics Laboratory, University Medical Center Utrecht
Classification: Likely benign. Review status: no assertion criteria provided. Collection method: clinical testing. Allele origin: germline. Affected: yes. Study: VKGL Data-share Consensus. Not counted in ClinVar's aggregate classification.

Joint Genome Diagnostic Labs from Nijmegen and Maastricht, Radboudumc and MUMC+
Classification: Likely benign. Review status: no assertion criteria provided. Collection method: clinical testing. Allele origin: germline. Affected: yes. Study: VKGL Data-share Consensus. Not counted in ClinVar's aggregate classification.

NM_002471.4(MYH6):c.5292C>T (p.Ala1764=)

Gene: MYH6 (myosin heavy chain 6; minus strand). Cytogenetic location: 14q11.2.
Variant type: single nucleotide variant.
Coding change: c.5292C>T on transcript NM_002471.4 (MANE Select); coding-DNA position 5292, C replaced by T.
Protein change: p.Ala1764=; no amino-acid change (alanine 1764 retained).
Molecular consequence: synonymous variant.
Genome position (GRCh38, 1-based): chr14:23,384,715, G>A on the plus strand (C>T on the coding strand, the complement: MYH6 is on the minus strand). VCF-style: chr14-23384715-G-A. GRCh37 (hg19) VCF-style: chr14-23853924-G-A.
Identifiers: ClinVar variation 698130 (VCV000698130.48), dbSNP rs753745013, ClinGen allele CA7114462.